The following is an entry in ClinVar:

NM_144999.4(LRRC45):c.516C>T (p.Thr172=)

Gene: LRRC45 (leucine rich repeat containing 45; plus strand). Cytogenetic location: 17q25.3.
Variant type: single nucleotide variant.
Coding change: c.516C>T on transcript NM_144999.4 (MANE Select); coding-DNA position 516, C replaced by T.
Protein change: p.Thr172=; no amino-acid change (threonine 172 retained).
Molecular consequence: synonymous variant.
Genome position (GRCh38, 1-based): chr17:82,025,162, C>T. VCF-style: chr17-82025162-C-T. GRCh37 (hg19) VCF-style: chr17-79983038-C-T.
Identifiers: ClinVar variation 4986511 (VCV004986511.1).

ClinVar aggregate classification (germline): Likely benign (1 of 4 stars; one submission).

Conditions:
LRRC45-related disorder. Also called: LRRC45-related condition.

gnomAD v4.1: 3 of 1,598,628 alleles (0.00019%); highest among the groups gnomAD compares: Admixed American, 0.0017%; no homozygotes.

Submission:

PreventionGenetics, part of Exact Sciences
Classification: Likely benign for LRRC45-related condition. Last evaluated: 2025-10-09. Review status: criteria provided, single submitter. Criteria: ACMG Guidelines, 2015. Collection method: clinical testing. Allele origin: germline.
Comment: This variant is classified as likely benign based on ACMG/AMP sequence variant interpretation guidelines (Richards et al. 2015 PMID: 25741868, with internal and published modifications).